The following is an entry in ClinVar:

NM_001148.6(ANK2):c.4413G>A (p.Met1471Ile)

Gene: ANK2 (ankyrin 2; plus strand). Cytogenetic location: 4q26.
Variant type: single nucleotide variant.
Coding change: c.4413G>A on transcript NM_001148.6 (MANE Select); coding-DNA position 4413, G replaced by A.
Protein change: p.Met1471Ile; replaces methionine 1471 with isoleucine.
Molecular consequence: missense variant.
Genome position (GRCh38, 1-based): chr4:113,350,236, G>A. VCF-style: chr4-113350236-G-A. GRCh37 (hg19) VCF-style: chr4-114271392-G-A.
Other names: c.4386G>A, p.Met1462Ile (NM_001127493.3); c.4425G>A, p.Met1475Ile (NM_001354225.2); c.4314G>A, p.Met1438Ile (NM_001354228.2, NM_001354258.2); c.4392G>A, p.Met1464Ile (NM_001354230.2); c.4455G>A, p.Met1485Ile (NM_001354231.2, NM_001354242.2); c.4449G>A, p.Met1483Ile (NM_001354232.2); c.4410G>A, p.Met1470Ile (NM_001354235.2, NM_001354246.2, NM_001354265.2); c.4311G>A, p.Met1437Ile (NM_001354236.2); and 33 more; short protein forms M1343I, M1371I, M1400I, M1405I, M1416I, M1417I, M1437I, M1449I.
Identifiers: ClinVar variation 1944902 (VCV001944902.2), dbSNP rs943824887, ClinGen allele CA103808993.

ClinVar aggregate classification (germline): Uncertain significance (1 of 4 stars; one submission).

Conditions:
Long QT syndrome (LQTS). Identifiers: MedGen C0023976, MeSH D008133, MONDO:0002442. Disease mechanism: loss of function. Inheritance: Various modes of inheritance.

Allele frequency attached by ClinVar (database versions not stated): gnomAD exomes below 0.00001; TOPMed 0.00001.

Submission:

Labcorp Genetics (formerly Invitae), Labcorp
Classification: Uncertain significance for Long QT syndrome. Last evaluated: 2022-06-27. Review status: criteria provided, single submitter. Criteria: Invitae Variant Classification Sherloc (09022015). Collection method: clinical testing. Allele origin: germline.
Comment: This sequence change replaces methionine, which is neutral and non-polar, with isoleucine, which is neutral and non-polar, at codon 1471 of the ANK2 protein (p.Met1471Ile). This variant is not present in population databases (gnomAD no frequency). This variant has not been reported in the literature in individuals affected with ANK2-related conditions. Algorithms developed to predict the effect of missense changes on protein structure and function (SIFT, PolyPhen-2, Align-GVGD) all suggest that this variant is likely to be tolerated. In summary, the available evidence is currently insufficient to determine the role of this variant in disease. Therefore, it has been classified as a Variant of Uncertain Significance.